The following is an entry in ClinVar:

NM_014976.2(PDCD11):c.747C>T (p.Asn249=)

Gene: PDCD11 (programmed cell death 11; plus strand). Cytogenetic location: 10q24.33.
Variant type: single nucleotide variant.
Coding change: c.747C>T on transcript NM_014976.2 (MANE Select); coding-DNA position 747, C replaced by T.
Protein change: p.Asn249=; no amino-acid change (asparagine 249 retained).
Molecular consequence: synonymous variant.
Genome position (GRCh38, 1-based): chr10:103,406,667, C>T. VCF-style: chr10-103406667-C-T. GRCh37 (hg19) VCF-style: chr10-105166424-C-T.
Other names: c.747C>T, p.Asn249= (NM_001411058.1).
Identifiers: ClinVar variation 2640803 (VCV002640803.24), dbSNP rs139423894, ClinGen allele CA5672789.

ClinVar aggregate classification (germline): Likely benign (1 of 4 stars; one submission).

Allele frequency attached by ClinVar (database versions not stated): 1000 Genomes Project 0.00020; 1000 Genomes Project 30x 0.00047; ESP Exome Variant Server 0.00069; ExAC 0.00082; gnomAD exomes 0.00086; TOPMed 0.00094; gnomAD 0.00097.
gnomAD v4.1: 1,491 of 1,614,064 alleles (0.092%); highest among the groups gnomAD compares: Middle Eastern, 2.3%; 13 homozygotes.

Submission:

CeGaT Center for Human Genetics Tuebingen
Classification: Likely benign. Last evaluated: 2022-10-01. Review status: criteria provided, single submitter. Criteria: CeGaT Center For Human Genetics Tuebingen Variant Classification Criteria Version 2. Collection method: clinical testing. Allele origin: germline. Affected: yes. Observed: 1 variant allele.
Comment: PDCD11: BP4, BP7